The following is an entry in ClinVar:

ClinVar aggregate classification (germline): Benign. Review status: criteria provided, multiple submitters, no conflicts (2 of 4 stars). 2 submissions from 2 submitters: Benign (2). Last evaluated 2018-06-14.

Allele frequency attached by ClinVar (database versions not stated): gnomAD 0.06620 and 0.07024; gnomAD exomes 0.07319; TOPMed 0.08095; 1000 Genomes Project 30x 0.11337; 1000 Genomes Project 0.11382.

Submissions (2):

GeneDx
Classification: Benign. Last evaluated: 2018-06-14. Review status: criteria provided, single submitter. Criteria: GeneDx Variant Classification (06012015). Collection method: clinical testing. Allele origin: germline. Affected: yes.
Comment: This variant is considered likely benign or benign based on one or more of the following criteria: it is a conservative change, it occurs at a poorly conserved position in the protein, it is predicted to be benign by multiple in silico algorithms, and/or has population frequency not consistent with disease.

Breakthrough Genomics
Classification: Benign. Review status: criteria provided, single submitter. Criteria: ACMG Guidelines, 2015. Collection method: not provided. Allele origin: germline. Inheritance: Autosomal dominant inheritance. Affected: yes.

NM_004408.4(DNM1):c.1782-265T>A

Gene: DNM1 (dynamin 1; plus strand). Cytogenetic location: 9q34.11.
Variant type: single nucleotide variant.
Coding change: c.1782-265T>A on transcript NM_004408.4 (MANE Select); 265 bases into the intron before coding-DNA position 1782, T replaced by A.
Molecular consequence: intron variant.
Genome position (GRCh38, 1-based): chr9:128,247,110, T>A. VCF-style: chr9-128247110-T-A. GRCh37 (hg19) VCF-style: chr9-131009389-T-A.
Other names: c.1782-265T>A (NM_001005336.3, NM_001288738.2, NM_001288737.2 and 1 more transcripts).
Identifiers: ClinVar variation 680550 (VCV000680550.2), dbSNP rs12683712, ClinGen allele CA200365500.
Genomic context (GRCh38, chr9:128,247,110, plus strand): 5'-GCCACGGAGAAAGCTGGTGGGATCTGGGCCCCAAGCTAGAGACTTCACTGACTATGGTTG[T>A]CCTCTTGTCAAAGGTCCAGTCCCCTTCTAAGCATTTTACCACTCACTTCACTGAATCCTC-3'